The following is an entry in ClinVar:

NM_000256.3(MYBPC3):c.747C>T (p.Cys249=)

Gene: MYBPC3 (myosin binding protein C3; minus strand). Cytogenetic location: 11p11.2.
Variant type: single nucleotide variant.
Coding change: c.747C>T on transcript NM_000256.3 (MANE Select); coding-DNA position 747, C replaced by T.
Protein change: p.Cys249=; no amino-acid change (cysteine 249 retained).
Molecular consequence: synonymous variant.
Genome position (GRCh38, 1-based): chr11:47,348,449, G>A on the plus strand (C>T on the coding strand, the complement: MYBPC3 is on the minus strand). VCF-style: chr11-47348449-G-A. GRCh37 (hg19) VCF-style: chr11-47370000-G-A.
Identifiers: ClinVar variation 3387144 (VCV003387144.3).
Genomic context (GRCh38, chr11:47,348,449, plus strand): 5'-GCCCGAGCCCAGGACAGACACCAGGGCCCCCTCACCGTGGACAGTGAGATTGAAGTTGGA[G>A]CAGTCAAATTTGTCCTTGGTGGACACCTCACAGCGGTAGCTGCCAGTGAAGGCAGGCTGG-3'
Protein context (NP_000247.2, residues 239-259): CEVSTKDKFD[Cys249=]SNFNLTVHEA

ClinVar aggregate classification (germline): Likely benign. Review status: criteria provided, multiple submitters, no conflicts (2 of 4 stars). 2 submissions from 2 submitters: Likely benign (2). Last evaluated 2025-01-23.

Conditions:
Hypertrophic cardiomyopathy. Also called: HYPERTROPHIC MYOCARDIOPATHY. Identifiers: Orphanet 217569, MedGen C0007194, MeSH D002312, MONDO:0005045, HP:0001639.

gnomAD v4.1: 3 of 1,612,948 alleles (0.00019%); highest among the groups gnomAD compares: Admixed American, 0.0033%; no homozygotes.

Submissions (2):

Labcorp Genetics (formerly Invitae), Labcorp
Classification: Likely benign for Hypertrophic cardiomyopathy. Last evaluated: 2025-01-23. Review status: criteria provided, single submitter. Criteria: Invitae Variant Classification Sherloc (09022015). Collection method: clinical testing. Allele origin: germline.

All of Us Research Program, National Institutes of Health
Classification: Likely benign for Hypertrophic cardiomyopathy. Last evaluated: 2024-05-14. Review status: criteria provided, single submitter. Criteria: ACMG Guidelines, 2015. Collection method: clinical testing. Allele origin: germline. Inheritance: Autosomal dominant inheritance. Observed: 1 variant allele, 1 heterozygote.
Comment: This study involves interpretation of variants in research participants for the purpose of population health screening. Participant phenotype was not available at the time of variant classification. Additional details can be found in publication PMID: 35346344, PMCID: PMC8962531